The following is an entry in ClinVar:

NM_000322.5(PRPH2):c.746G>A (p.Gly249Asp)

Gene: PRPH2 (peripherin 2; minus strand). Cytogenetic location: 6p21.1.
Variant type: single nucleotide variant.
Coding change: c.746G>A on transcript NM_000322.5 (MANE Select); coding-DNA position 746, G replaced by A.
Protein change: p.Gly249Asp; replaces glycine 249 with aspartic acid.
Molecular consequence: missense variant.
Genome position (GRCh38, 1-based): chr6:42,704,447, C>T on the plus strand (G>A on the coding strand, the complement: PRPH2 is on the minus strand). VCF-style: chr6-42704447-C-T. GRCh37 (hg19) VCF-style: chr6-42672185-C-T.
Other names: short protein forms G249D.
Identifiers: ClinVar variation 1932627 (VCV001932627.5), dbSNP rs2548300714, ClinGen allele CA364134990.
Genomic context (GRCh38, chr6:42,704,447, plus strand): 5'-GTGACGACACCCATGGAGTTCATGAGGCTGCTGTAGTAGCTCAGCAGGGCAGCCCTGCAG[C>T]CACGCACCCACAGGTTGAGCTCCTCCGTCTGGTGGTCGTAACTGTAGTGTGCTGAGTTGT-3'
Protein context (NP_000313.2, residues 239-259): QTEELNLWVR[Gly249Asp]CRAALLSYYS

ClinVar aggregate classification (germline): Uncertain significance (1 of 4 stars; one submission).

Conditions:
PRPH2-related disorder. Also called: PRPH2-related disorders; PRPH2-related condition. Identifiers: MedGen CN239395.

Submission:

Labcorp Genetics (formerly Invitae), Labcorp
Classification: Uncertain significance for PRPH2-related disorder. Last evaluated: 2022-08-20. Review status: criteria provided, single submitter. Criteria: Invitae Variant Classification Sherloc (09022015). Collection method: clinical testing. Allele origin: germline.
Comment: This sequence change replaces glycine, which is neutral and non-polar, with aspartic acid, which is acidic and polar, at codon 249 of the PRPH2 protein (p.Gly249Asp). In summary, the available evidence is currently insufficient to determine the role of this variant in disease. Therefore, it has been classified as a Variant of Uncertain Significance. Advanced modeling of protein sequence and biophysical properties (such as structural, functional, and spatial information, amino acid conservation, physicochemical variation, residue mobility, and thermodynamic stability) performed at Invitae indicates that this missense variant is expected to disrupt PRPH2 protein function. This variant has not been reported in the literature in individuals affected with PRPH2-related conditions. This variant is not present in population databases (gnomAD no frequency).